The following is an entry in ClinVar:

NM_005732.4(RAD50):c.265G>C (p.Val89Leu)

Gene: RAD50 (RAD50 double strand break repair protein; plus strand). Cytogenetic location: 5q31.1.
Variant type: single nucleotide variant.
Coding change: c.265G>C on transcript NM_005732.4 (MANE Select); coding-DNA position 265, G replaced by C.
Protein change: p.Val89Leu; replaces valine 89 with leucine.
Molecular consequence: missense variant.
Genome position (GRCh38, 1-based): chr5:132,575,828, G>C. VCF-style: chr5-132575828-G-C. GRCh37 (hg19) VCF-style: chr5-131911520-G-C.
Other names: short protein forms V89L.
Identifiers: ClinVar variation 4842947 (VCV004842947.1).

ClinVar aggregate classification (germline): Uncertain significance (1 of 4 stars; one submission).

Conditions:
Hereditary cancer-predisposing syndrome. Also called: Neoplastic Syndromes, Hereditary; Tumor predisposition; Hereditary Cancer Syndrome; Hereditary neoplastic syndrome. Identifiers: Orphanet 140162, MedGen C0027672, MeSH D009386, MONDO:0015356.

Submission:

Ambry Genetics
Classification: Uncertain significance for Hereditary cancer-predisposing syndrome. Last evaluated: 2026-01-04. Review status: criteria provided, single submitter. Criteria: Ambry Variant Classification Scheme 2023. Collection method: clinical testing. Allele origin: germline.
Comment: The p.V89L variant (also known as c.265G>C), located in coding exon 3 of the RAD50 gene, results from a G to C substitution at nucleotide position 265. The valine at codon 89 is replaced by leucine, an amino acid with highly similar properties. This amino acid position is conserved. In addition, the in silico prediction for this alteration is inconclusive. Based on the available evidence, the clinical significance of this variant remains unclear.